The following is an entry in ClinVar:

NM_001384140.1(PCDH15):c.1649T>G (p.Val550Gly)

Gene: PCDH15 (protocadherin related 15; minus strand). Cytogenetic location: 10q21.1.
Variant type: single nucleotide variant.
Coding change: c.1649T>G on transcript NM_001384140.1 (MANE Select); coding-DNA position 1649, T replaced by G.
Protein change: p.Val550Gly; replaces valine 550 with glycine.
Molecular consequence: missense variant.
Genome position (GRCh38, 1-based): chr10:54,153,235, A>C on the plus strand (T>G on the coding strand, the complement: PCDH15 is on the minus strand). VCF-style: chr10-54153235-A-C. GRCh37 (hg19) VCF-style: chr10-55912995-A-C.
Other names: c.1664T>G, p.Val555Gly (NM_001142763.2, NM_001142771.2); c.1649T>G, p.Val550Gly (NM_001142764.2, NM_001142765.2, NM_001142766.2 and 6 more transcripts); c.1538T>G, p.Val513Gly (NM_001142767.2); c.1583T>G, p.Val528Gly (NM_001142768.2, NM_001142773.2, NM_001354404.2); c.1685T>G, p.Val562Gly (NM_001142769.4); c.1670T>G, p.Val557Gly (NM_001354411.2); short protein forms V550G, V555G, V528G, V562G, V513G, V557G.
Identifiers: ClinVar variation 300193 (VCV000300193.22), dbSNP rs61735482, ClinGen allele CA5506301.

ClinVar aggregate classification (germline): Conflicting classifications of pathogenicity. Review status: criteria provided, conflicting classifications (1 of 4 stars). 8 submissions from 8 submitters: Uncertain significance (6); Likely benign (1). 1 of the submissions does not count toward it. Last evaluated 2026-06-17.

Conditions:
Inborn genetic diseases. Identifiers: MedGen C0950123, MeSH D030342.
PCDH15-related disorder. Also called: PCDH15-related condition; PCDH15-related disorders.
Usher syndrome type 1 (USH1). Also called: RETINITIS PIGMENTOSA AND CONGENITAL DEAFNESS. Identifiers: Orphanet 231169, Orphanet 886, MedGen C1568247, MONDO:0010168, OMIM 276900.
Usher syndrome type 1F (USH1F). Also called: USHER SYNDROME, TYPE IF. Identifiers: Orphanet 231169, Orphanet 886, MedGen C1865885, MONDO:0011186, OMIM 602083.

Allele frequency attached by ClinVar (database versions not stated): TOPMed 0.00012; gnomAD 0.00013; gnomAD exomes 0.00017; ExAC 0.00021; ESP Exome Variant Server 0.00023.
gnomAD v4.1: 267 of 1,613,748 alleles (0.017%); highest among the groups gnomAD compares: Non-Finnish European, 0.022%; no homozygotes.

Submissions (8):

PreventionGenetics, part of Exact Sciences
Classification: Uncertain significance for PCDH15-related condition. Last evaluated: 2026-06-17. Review status: criteria provided, single submitter. Criteria: ACMG Guidelines, 2015. Collection method: clinical testing. Allele origin: germline.
Comment: The PCDH15 c.1649T>G variant is predicted to result in the amino acid substitution p.Val550Gly. This variant was reported in an individual with hearing loss, although a second potentially causative variant in this gene was not identified (Zhuri et al. 2024. PubMed ID: 39161163). This variant is reported in 0.039% of alleles in individuals of European (Non-Finnish) descent in gnomAD. At this time, the clinical significance of this variant is uncertain due to the absence of conclusive functional and genetic evidence.

CeGaT Center for Human Genetics Tuebingen
Classification: Uncertain significance. Last evaluated: 2025-09-01. Review status: criteria provided, single submitter. Criteria: CeGaT Center For Human Genetics Tuebingen Variant Classification Criteria Version 2. Collection method: clinical testing. Allele origin: germline. Affected: yes. Observed: 1 variant allele.
Comment: PCDH15: PM2, BP4

Ambry Genetics
Classification: Uncertain significance for Inborn genetic diseases. Last evaluated: 2025-05-13. Review status: criteria provided, single submitter. Criteria: Ambry Variant Classification Scheme 2023. Collection method: clinical testing. Allele origin: germline.

Blueprint Genetics
Classification: Likely benign. Last evaluated: 2024-10-15. Review status: criteria provided, single submitter. Criteria: ACMG Guidelines, 2015. Collection method: clinical testing. Allele origin: germline.

GeneDx
Classification: Uncertain significance. Last evaluated: 2022-10-24. Review status: criteria provided, single submitter. Criteria: GeneDx Variant Classification Process June 2021. Collection method: clinical testing. Allele origin: germline. Affected: yes.
Comment: In silico analysis supports that this missense variant does not alter protein structure/function; Has not been previously published as pathogenic or benign to our knowledge

Labcorp Genetics (formerly Invitae), Labcorp
Classification: Uncertain significance. Last evaluated: 2022-09-27. Review status: criteria provided, single submitter. Criteria: Invitae Variant Classification Sherloc (09022015). Collection method: clinical testing. Allele origin: germline.
Comment: This sequence change replaces valine, which is neutral and non-polar, with glycine, which is neutral and non-polar, at codon 550 of the PCDH15 protein (p.Val550Gly). This variant is present in population databases (rs61735482, gnomAD 0.04%). This variant has not been reported in the literature in individuals affected with PCDH15-related conditions. ClinVar contains an entry for this variant (Variation ID: 300193). Advanced modeling of protein sequence and biophysical properties (such as structural, functional, and spatial information, amino acid conservation, physicochemical variation, residue mobility, and thermodynamic stability) performed at Invitae indicates that this missense variant is not expected to disrupt PCDH15 protein function. Algorithms developed to predict the effect of sequence changes on RNA splicing suggest that this variant may create or strengthen a splice site. In summary, the available evidence is currently insufficient to determine the role of this variant in disease. Therefore, it has been classified as a Variant of Uncertain Significance.

Illumina Laboratory Services, Illumina
Classification: Uncertain significance for Usher syndrome type 1. Last evaluated: 2018-01-13. Review status: criteria provided, single submitter. Criteria: ICSL Variant Classification Criteria 13 December 2019. Collection method: clinical testing. Allele origin: germline.

Natera, Inc.
Classification: Uncertain significance for Usher syndrome type 1F. Last evaluated: 2019-11-11. Review status: no assertion criteria provided. Collection method: clinical testing. Allele origin: germline. Not counted in ClinVar's aggregate classification.